The following is an entry in ClinVar:

NM_032242.4(PLXNA1):c.2122C>T (p.Gln708Ter)

Gene: PLXNA1 (plexin A1; plus strand). Cytogenetic location: 3q21.3.
Variant type: single nucleotide variant.
Coding change: c.2122C>T on transcript NM_032242.4 (MANE Select); coding-DNA position 2122, C replaced by T.
Protein change: p.Gln708Ter; replaces glutamine 708 with a stop codon.
Molecular consequence: nonsense.
Genome position (GRCh38, 1-based): chr3:127,011,967, C>T. VCF-style: chr3-127011967-C-T. GRCh37 (hg19) VCF-style: chr3-126730810-C-T.
Other names: short protein forms Q708*.
Identifiers: ClinVar variation 4991179 (VCV004991179.1).
Genomic context (GRCh38, chr3:127,011,967, plus strand): 5'-TTGCTCACTGGTCTCCGCCCCCGGGCTCAGCCAAACTCTTCTTATCCCCAGGACTGCCCA[C>T]AGATCCTGCCCTCCACGCAGATCTACGTGCCAGTGGGAGTGGTAAAACCCATCACCCTGG-3'

ClinVar aggregate classification (germline): Uncertain significance (1 of 4 stars; one submission).

Conditions:
PLXNA1-related disorder. Also called: PLXNA1-related condition.

Submission:

PreventionGenetics, part of Exact Sciences
Classification: Uncertain significance for PLXNA1-related condition. Last evaluated: 2026-08-31. Review status: criteria provided, single submitter. Criteria: ACMG Guidelines, 2015. Collection method: clinical testing. Allele origin: germline.
Comment: The PLXNA1 c.2122C>T variant is predicted to result in premature protein termination (p.Gln708*). To our knowledge, this variant has not been reported in the literature or in a large population database (gnomAD), indicating this variant is rare. Although we suspect that this variant may be pathogenic, at this time, the clinical significance of this variant is uncertain due to the absence of conclusive functional and genetic evidence.